The following is an entry in ClinVar:

ClinVar aggregate classification (germline): Uncertain significance (1 of 4 stars; one submission).

Submission:

Labcorp Genetics (formerly Invitae), Labcorp
Classification: Uncertain significance. Last evaluated: 2025-04-07. Review status: criteria provided, single submitter. Criteria: Invitae Variant Classification Sherloc (09022015). Collection method: clinical testing. Allele origin: germline.
Comment: This sequence change falls in intron 40 of the MYH3 gene. It does not directly change the encoded amino acid sequence of the MYH3 protein. This variant is not present in population databases (gnomAD no frequency). This variant has not been reported in the literature in individuals affected with MYH3-related conditions. In summary, the available evidence is currently insufficient to determine the role of this variant in disease. Therefore, it has been classified as a Variant of Uncertain Significance.

NM_002470.4(MYH3):c.5797-23_5797-7del

Gene: MYH3 (myosin heavy chain 3; minus strand). Cytogenetic location: 17p13.1.
Variant type: Deletion.
Coding change: c.5797-23_5797-7del on transcript NM_002470.4 (MANE Select); 23 bases into the intron before coding-DNA position 5797 through 7 bases into the intron before coding-DNA position 5797, 17 bases deleted (CCAGGTGCCTACTTTCT).
Molecular consequence: intron variant.
Genome position (GRCh38, 1-based): chr17:10,628,686-10,628,702, AGAAAGTAGGCACCTGG deleted on the plus strand (CCAGGTGCCTACTTTCT on the coding strand, the reverse complement: MYH3 is on the minus strand); deleting any 17 consecutive bases within chr17:10,628,686-10,628,704 gives the same sequence; the c. name uses the placement nearest the transcript's 3' end. VCF-style (leftmost placement, unchanged base first): chr17-10628685-AAGAAAGTAGGCACCTGG-A. GRCh37 (hg19) VCF-style: chr17-10532002-AAGAAAGTAGGCACCTGG-A.
Identifiers: ClinVar variation 4716627 (VCV004716627.1).
Genomic context (GRCh38, chr17:10,628,685, plus strand): 5'-TCTTCTGTCCTGCTCCAGAAGGGCTGGCTCACTCTTCACTCTCGTGGACCACCATCTAGG[AAGAAAGTAGGCACCTGG>A]AGTCAAGTCGGGTGGCAGAGACACATTCCCACCCACCACTTCTGCCGGCTGGCATCAGAG-3'